The following is an entry in ClinVar:

NM_198503.5(KCNT2):c.1295-18C>T

Gene: KCNT2 (potassium sodium-activated channel subfamily T member 2; minus strand). Cytogenetic location: 1q31.3.
Variant type: single nucleotide variant.
Coding change: c.1295-18C>T on transcript NM_198503.5 (MANE Select); 18 bases into the intron before coding-DNA position 1295, C replaced by T.
Molecular consequence: intron variant.
Genome position (GRCh38, 1-based): chr1:196,373,266, G>A on the plus strand (C>T on the coding strand, the complement: KCNT2 is on the minus strand). VCF-style: chr1-196373266-G-A. GRCh37 (hg19) VCF-style: chr1-196342396-G-A.
Other names: c.1295-18C>T (NM_001287820.3, NM_001287819.3).
Identifiers: ClinVar variation 1033261 (VCV001033261.1), dbSNP rs1189514330, ClinGen allele CA528400265.

ClinVar aggregate classification (germline): Uncertain significance (1 of 4 stars; one submission).

Conditions:
Developmental and epileptic encephalopathy, 57. Also called: EPILEPTIC ENCEPHALOPATHY, EARLY INFANTILE, 57. Identifiers: MedGen C4540411, MONDO:0033366, OMIM 617771.

Allele frequency attached by ClinVar (database versions not stated): gnomAD exomes below 0.00001 and 0.00001; gnomAD 0.00001; TOPMed 0.00001.
gnomAD v4.1: 9 of 1,049,870 alleles (0.00086%); highest among the groups gnomAD compares: East Asian, 0.0024%; no homozygotes.

Submission:

Baylor Genetics
Classification: Uncertain significance for Developmental and epileptic encephalopathy, 57. Last evaluated: 2018-06-26. Review status: criteria provided, single submitter. Criteria: ACMG Guidelines, 2015. Collection method: clinical testing. Allele origin: unknown. Affected: yes.
Comment: This variant was determined to be of uncertain significance according to ACMG Guidelines, 2015 [PMID:25741868].